The following is an entry in ClinVar:

NM_001875.5(CPS1):c.3784C>T (p.Arg1262Ter)

Gene: CPS1 (carbamoyl-phosphate synthase 1; plus strand). Cytogenetic location: 2q34.
Variant type: single nucleotide variant.
Coding change: c.3784C>T on transcript NM_001875.5 (MANE Select); coding-DNA position 3784, C replaced by T.
Protein change: p.Arg1262Ter; replaces arginine 1262 with a stop codon.
Molecular consequence: nonsense. On other transcripts: non-coding transcript variant (2).
Genome position (GRCh38, 1-based): chr2:210,660,512, C>T. VCF-style: chr2-210660512-C-T. GRCh37 (hg19) VCF-style: chr2-211525236-C-T.
Other names: c.3784C>T (LRG_336t1); c.3784C>T, p.Arg1262Ter (NM_001122633.3, NM_001369257.1); c.3817C>T, p.Arg1273Ter (NM_001369256.1); short protein forms R1262*, R1273*.
Identifiers: ClinVar variation 552571 (VCV000552571.22), dbSNP rs1414143303, ClinGen allele CA350438463.

ClinVar aggregate classification (germline): Pathogenic. Review status: criteria provided, multiple submitters, no conflicts (2 of 4 stars). 8 submissions from 8 submitters: Pathogenic (6). 2 of the submissions do not count toward it. Last evaluated 2025-10-09.

Conditions:
Pulmonary hypertension, neonatal, susceptibility to (PHN). Identifiers: MedGen C3714958, MONDO:0014151, OMIM 615371.
Congenital hyperammonemia, type I. Also called: Carbamoyl-phosphate synthase I deficiency; Carbamoyl phosphate synthetase I deficiency disease; CPS I DEFICIENCY; Carbamoyl phosphate synthetase 1 deficiency; Hyperammonemia due to carbamoyl phosphate synthetase 1 deficiency; CPS 1 deficiency. Identifiers: Orphanet 147, MedGen C4082171, MONDO:0009376, OMIM 237300.

Allele frequency attached by ClinVar (database versions not stated): gnomAD exomes below 0.00001 and 0.00001; gnomAD 0.00001; TOPMed 0.00002.
gnomAD v4.1: 12 of 1,613,958 alleles (0.00074%); highest among the groups gnomAD compares: Middle Eastern, 0.016%; no homozygotes.

Submissions (8):

Natera, Inc.
Classification: Pathogenic for Carbamoyl-phosphate synthase I deficiency. Last evaluated: 2025-10-09. Review status: criteria provided, single submitter. Criteria: Natera Variant Classification Schema (03/2026). Collection method: clinical testing. Allele origin: germline.
Comment: The c.3784C>T variant in CPS1 is a nonsense variant predicted to introduce a stop codon at amino acid 1262. This variant is expected to result in nonsense mediated decay, truncation, or a dysfunctional protein product. This variant is rare in the general population with a frequency below the threshold expected for the associated phenotype(s). This variant has been observed in one or more individuals affected with the associated recessive disease, as either homozygous or compound heterozygous with a second variant (PMID: 19167850, 27150549, 33309754). Given the available evidence, this variant is classified as Pathogenic.

Labcorp Genetics (formerly Invitae), Labcorp
Classification: Pathogenic for Congenital hyperammonemia, type I. Last evaluated: 2024-08-12. Review status: criteria provided, single submitter. Criteria: Invitae Variant Classification Sherloc (09022015). Collection method: clinical testing. Allele origin: germline.
Comment: This sequence change creates a premature translational stop signal (p.Arg1262*) in the CPS1 gene. It is expected to result in an absent or disrupted protein product. Loss-of-function variants in CPS1 are known to be pathogenic (PMID: 21120950). This variant is present in population databases (no rsID available, gnomAD 0.004%). This premature translational stop signal has been observed in individual(s) with CPS1 deficiency (PMID: 15617192, 19167850, 22173106, 23649895). In at least one individual the data is consistent with being in trans (on the opposite chromosome) from a pathogenic variant. ClinVar contains an entry for this variant (Variation ID: 552571). For these reasons, this variant has been classified as Pathogenic.

Baylor Genetics
Classification: Pathogenic for Pulmonary hypertension, neonatal, susceptibility to. Last evaluated: 2024-02-08. Review status: criteria provided, single submitter. Criteria: ACMG Guidelines, 2015. Collection method: clinical testing. Allele origin: unknown.

Revvity Omics, Revvity
Classification: Pathogenic for Congenital hyperammonemia, type I. Last evaluated: 2019-09-05. Review status: criteria provided, single submitter. Criteria: ACMG Guidelines, 2015. Collection method: clinical testing. Allele origin: germline.

Women's Health and Genetics/Laboratory Corporation of America, LabCorp
Classification: Pathogenic for Carbamoyl-phosphate synthetase 1 deficiency. Last evaluated: 2019-05-03. Review status: criteria provided, single submitter. Criteria: LabCorp Variant Classification Summary - May 2015. Collection method: clinical testing. Allele origin: germline.
Comment: Variant summary: CPS1 c.3784C>T (p.Arg1262X) results in a premature termination codon, predicted to cause a truncation of the encoded protein or absence of the protein due to nonsense mediated decay, which are commonly known mechanisms for disease. The variant allele was found at a frequency of 4e-06 in 251388 control chromosomes (gnomAD). The variant, c.3784C>T, has been reported in the literature in multiple individuals affected with Carbamoylphosphate Synthetase I Deficiency (Wakutani_2004, Eeds_2006, Kurodawa_2007, Ono_2009, Haberle_2011, Funghini_2012, Diez-Fernandez_2013, Yamaguchi_2016). These data indicate that the variant is very likely to be associated with disease. Kurokawa_2007 reports the CPS1 activity to be 4.8% of normal activity for a compound heterozygote patient, p.Arg1262X/p.Gly510AlafsX4. Two ClinVar submissions from clinical diagnostic laboratories (evaluation after 2014) cites the variant as pathogenic. Based on the evidence outlined above, the variant was classified as pathogenic.

Fulgent Genetics
Classification: Pathogenic for Congenital hyperammonemia, type I; Pulmonary hypertension, neonatal, susceptibility to. Last evaluated: 2018-10-31. Review status: criteria provided, single submitter. Criteria: ACMG Guidelines, 2015. Collection method: clinical testing. Allele origin: unknown.

Medical Genetics Clinic, Shanghai Children's Hospital
Classification: Pathogenic for Congenital hyperammonemia, type I. Last evaluated: 2024-12-28. Review status: no assertion criteria provided. Collection method: clinical testing. Allele origin: germline. Affected: yes. Not counted in ClinVar's aggregate classification.

Counsyl
Classification: Pathogenic for Congenital hyperammonemia, type I. Last evaluated: 2017-06-15. Review status: no assertion criteria provided. Collection method: clinical testing. Allele origin: unknown. Not counted in ClinVar's aggregate classification.

Literature cited by the submitters: PubMed 19167850 (cited by 4 submitters); PubMed 27150549 (cited by 3 submitters); PubMed 33309754 (cited by Natera, Inc.); PubMed 21120950 (cited by Labcorp Genetics (formerly Invitae), Labcorp and Women's Health and Genetics/Laboratory Corporation of America, LabCorp); PubMed 15617192 (cited by 4 submitters); PubMed 22173106 (cited by Labcorp Genetics (formerly Invitae), Labcorp and Women's Health and Genetics/Laboratory Corporation of America, LabCorp); PubMed 23649895 (cited by Labcorp Genetics (formerly Invitae), Labcorp and Women's Health and Genetics/Laboratory Corporation of America, LabCorp); PubMed 16737834 (cited by Women's Health and Genetics/Laboratory Corporation of America, LabCorp); PubMed 17310273 (cited by Women's Health and Genetics/Laboratory Corporation of America, LabCorp and Counsyl); PubMed 32934962 (cited by Medical Genetics Clinic, Shanghai Children's Hospital).